The following is an entry in ClinVar:

ClinVar aggregate classification (germline): Uncertain significance (1 of 4 stars; one submission).

Submission:

Labcorp Genetics (formerly Invitae), Labcorp
Classification: Uncertain significance. Last evaluated: 2024-06-19. Review status: criteria provided, single submitter. Criteria: Invitae Variant Classification Sherloc (09022015). Collection method: clinical testing. Allele origin: germline.
Comment: This sequence change replaces glutamine, which is neutral and polar, with lysine, which is basic and polar, at codon 188 of the NFKB1 protein (p.Gln188Lys). This variant is not present in population databases (gnomAD no frequency). This variant has not been reported in the literature in individuals affected with NFKB1-related conditions. Advanced modeling of protein sequence and biophysical properties (such as structural, functional, and spatial information, amino acid conservation, physicochemical variation, residue mobility, and thermodynamic stability) performed at Invitae indicates that this missense variant is not expected to disrupt NFKB1 protein function with a negative predictive value of 80%. In summary, the available evidence is currently insufficient to determine the role of this variant in disease. Therefore, it has been classified as a Variant of Uncertain Significance.

NM_003998.4(NFKB1):c.562C>A (p.Gln188Lys)

Gene: NFKB1 (nuclear factor kappa B subunit 1; plus strand). Cytogenetic location: 4q24.
Variant type: single nucleotide variant.
Coding change: c.562C>A on transcript NM_003998.4 (MANE Select); coding-DNA position 562, C replaced by A.
Protein change: p.Gln188Lys; replaces glutamine 188 with lysine.
Molecular consequence: missense variant.
Genome position (GRCh38, 1-based): chr4:102,577,030, C>A. VCF-style: chr4-102577030-C-A. GRCh37 (hg19) VCF-style: chr4-103498187-C-A.
Other names: c.559C>A, p.Gln187Lys (NM_001165412.2, NM_001319226.2, NM_001382627.1); c.562C>A, p.Gln188Lys (NM_001382625.1, NM_001382626.1); c.520C>A, p.Gln174Lys (NM_001382628.1); short protein forms Q188K, Q174K, Q187K.
Identifiers: ClinVar variation 3657099 (VCV003657099.2).